The following is an entry in ClinVar:

ClinVar aggregate classification (germline): Uncertain significance. Review status: criteria provided, multiple submitters, no conflicts (2 of 4 stars). 2 submissions from 2 submitters: Uncertain significance (2). Last evaluated 2025-12-16.

Conditions:
Dilated cardiomyopathy 1O (CMD1O). Also called: CARDIOMYOPATHY, DILATED, WITH VENTRICULAR TACHYCARDIA. Identifiers: Orphanet 154, MedGen C1837839, MONDO:0012062, OMIM 608569.
Cardiovascular phenotype. Identifiers: MedGen CN230736.

Allele frequency attached by ClinVar (database versions not stated): gnomAD 0.00001; gnomAD exomes 0.00001; TOPMed 0.00001; ExAC 0.00002.
gnomAD v4.1: 4 of 1,613,882 alleles (0.00025%); highest among the groups gnomAD compares: Admixed American, 0.005%; no homozygotes.

Submissions (2):

Ambry Genetics
Classification: Uncertain significance for Cardiovascular phenotype. Last evaluated: 2025-12-16. Review status: criteria provided, single submitter. Criteria: Ambry Variant Classification Scheme 2023. Collection method: clinical testing. Allele origin: germline.

Labcorp Genetics (formerly Invitae), Labcorp
Classification: Uncertain significance for Dilated cardiomyopathy 1O. Last evaluated: 2023-01-20. Review status: criteria provided, single submitter. Criteria: Invitae Variant Classification Sherloc (09022015). Collection method: clinical testing. Allele origin: germline.
Comment: In summary, the available evidence is currently insufficient to determine the role of this variant in disease. Therefore, it has been classified as a Variant of Uncertain Significance. Advanced modeling of protein sequence and biophysical properties (such as structural, functional, and spatial information, amino acid conservation, physicochemical variation, residue mobility, and thermodynamic stability) performed at Invitae indicates that this missense variant is not expected to disrupt ABCC9 protein function. This variant has not been reported in the literature in individuals affected with ABCC9-related conditions. This variant is present in population databases (rs763573197, gnomAD 0.006%). This sequence change replaces glycine, which is neutral and non-polar, with glutamic acid, which is acidic and polar, at codon 648 of the ABCC9 protein (p.Gly648Glu).

NM_020297.4(ABCC9):c.1943G>A (p.Gly648Glu)

Gene: ABCC9 (ATP binding cassette subfamily C member 9; minus strand). Cytogenetic location: 12p12.1.
Variant type: single nucleotide variant.
Coding change: c.1943G>A on transcript NM_020297.4 (MANE Select); coding-DNA position 1943, G replaced by A.
Protein change: p.Gly648Glu; replaces glycine 648 with glutamic acid.
Molecular consequence: missense variant.
Genome position (GRCh38, 1-based): chr12:21,882,842, C>T on the plus strand (G>A on the coding strand, the complement: ABCC9 is on the minus strand). VCF-style: chr12-21882842-C-T. GRCh37 (hg19) VCF-style: chr12-22035776-C-T.
Other names: c.1943G>A, p.Gly648Glu (NM_001377273.1, NM_005691.4); c.1079G>A, p.Gly360Glu (NM_001377274.1); short protein forms G648E, G360E.
Identifiers: ClinVar variation 2753210 (VCV002753210.5), dbSNP rs763573197, ClinGen allele CA6481542.